The following is an entry in ClinVar:

NM_139276.3(STAT3):c.994C>T (p.His332Tyr)

Gene: STAT3 (signal transducer and activator of transcription 3; minus strand). Cytogenetic location: 17q21.2.
Variant type: single nucleotide variant.
Coding change: c.994C>T on transcript NM_139276.3 (MANE Select); coding-DNA position 994, C replaced by T.
Protein change: p.His332Tyr; replaces histidine 332 with tyrosine.
Molecular consequence: missense variant.
Genome position (GRCh38, 1-based): chr17:42,333,728, G>A on the plus strand (C>T on the coding strand, the complement: STAT3 is on the minus strand). VCF-style: chr17-42333728-G-A. GRCh37 (hg19) VCF-style: chr17-40485746-G-A.
Other names: c.994C>T, p.His332Tyr (NM_001369512.1, NM_001369513.1, NM_001369514.1 and 15 more transcripts); c.916C>T, p.His306Tyr (NM_001384985.1); c.898C>T, p.His300Tyr (NM_001384989.1); short protein forms H300Y, H306Y, H332Y.
Identifiers: ClinVar variation 1701323 (VCV001701323.37), dbSNP rs2144827923, ClinGen allele CA399590687.

ClinVar aggregate classification (germline): Pathogenic/Likely pathogenic. Review status: criteria provided, multiple submitters, no conflicts (2 of 4 stars). 4 submissions from 4 submitters: Pathogenic (3); Likely pathogenic (1). Last evaluated 2025-05-25.

Conditions:
STAT3-related disorder. Also called: STAT3-related condition.
Hyper-IgE recurrent infection syndrome 1, autosomal dominant. Also called: Hyper-IgE recurrent infection syndrome 1; STAT3 Hyper IgE Syndrome; JOB SYNDROME; HYPER-IgE SYNDROME 1, AUTOSOMAL DOMINANT, WITH RECURRENT INFECTIONS; Job's Syndrome. Identifiers: Orphanet 2314, MedGen C2936739, MONDO:0007818, OMIM 147060.
STAT3 gain of function. Identifiers: MedGen C4288261.

Submissions (4):

Labcorp Genetics (formerly Invitae), Labcorp
Classification: Pathogenic for STAT3 gain of function; Hyper-IgE recurrent infection syndrome 1, autosomal dominant. Last evaluated: 2025-05-25. Review status: criteria provided, single submitter. Criteria: Invitae Variant Classification Sherloc (09022015). Collection method: clinical testing. Allele origin: germline.
Comment: This sequence change replaces histidine, which is basic and polar, with tyrosine, which is neutral and polar, at codon 332 of the STAT3 protein (p.His332Tyr). This variant is not present in population databases (gnomAD no frequency). This missense change has been observed in individual(s) with hyper IgE syndrome (PMID: 18706697). In at least one individual the variant was observed to be de novo. It has also been observed to segregate with disease in related individuals. ClinVar contains an entry for this variant (Variation ID: 1701323). Invitae Evidence Modeling of protein sequence and biophysical properties (such as structural, functional, and spatial information, amino acid conservation, physicochemical variation, residue mobility, and thermodynamic stability) indicates that this missense variant is expected to disrupt STAT3 protein function with a positive predictive value of 95%. Experimental studies have shown that this missense change affects STAT3 function (PMID: 22581330). For these reasons, this variant has been classified as Pathogenic.

CeGaT Center for Human Genetics Tuebingen
Classification: Pathogenic. Last evaluated: 2022-07-01. Review status: criteria provided, single submitter. Criteria: CeGaT Center For Human Genetics Tuebingen Variant Classification Criteria Version 2. Collection method: clinical testing. Allele origin: germline. Affected: yes. Observed: 1 variant allele.
Comment: STAT3: PP1:Strong, PM2, PS4:Moderate, PP2, PP3, PP4

Blueprint Genetics
Classification: Pathogenic for STAT3-related disorders. Last evaluated: 2021-06-07. Review status: criteria provided, single submitter. Criteria: ACMG Guidelines, 2015. Collection method: clinical testing. Allele origin: germline. Affected: yes. Observed: 1 variant allele.

Neuberg Centre For Genomic Medicine, NCGM
Classification: Likely pathogenic for Hyper-IgE recurrent infection syndrome 1, autosomal dominant. Review status: criteria provided, single submitter. Criteria: ACMG Guidelines, 2015. Collection method: clinical testing. Allele origin: germline. Inheritance: Autosomal dominant inheritance. Affected: yes.
Comment: The missense variant c.994C>T in STAT3 has been reported in heterozygous state in individuals affected with Hyper-IgE recurrent infection syndrome (Soltész B, Tóth B, Shabashova N, et al, 2013; Jiao, Hong et al., 2008). The p.His332Tyr variant is novel (not in any individuals) in gnomAD Exomes and 1000 Genomes. The amino acid change p.His332Tyr in STAT3 is predicted as conserved by GERP++ and PhyloP across 100 vertebrates. The amino acid His at position 332 is changed to a Tyr changing protein sequence and it might alter its composition and physico-chemical properties. For these reasons, this variant has been classified as Likely Pathogenic.

Literature cited by the submitters: PubMed 18706697 (cited by Labcorp Genetics (formerly Invitae), Labcorp); PubMed 22581330 (cited by Labcorp Genetics (formerly Invitae), Labcorp).